The following is an entry in ClinVar:

ClinVar aggregate classification (germline): Conflicting classifications of pathogenicity. Review status: criteria provided, conflicting classifications (1 of 4 stars). 6 submissions from 6 submitters: Uncertain significance (1); Likely benign (4). 1 of the submissions does not count toward it. Last evaluated 2026-01-02.

Conditions:
REST-related disorder. Also called: REST-related condition.
Inborn genetic diseases. Identifiers: MedGen C0950123, MeSH D030342.

Allele frequency attached by ClinVar (database versions not stated): ExAC 0.00036; 1000 Genomes Project 0.00040; gnomAD exomes 0.00042 and 0.00044; gnomAD 0.00044 and 0.00046; 1000 Genomes Project 30x 0.00047; TOPMed 0.00057; ESP Exome Variant Server 0.00015.
gnomAD v4.1: 720 of 1,596,812 alleles (0.045%); highest among the groups gnomAD compares: Admixed American, 0.12%; 1 homozygote.

Submissions (6):

Labcorp Genetics (formerly Invitae), Labcorp
Classification: Likely benign. Last evaluated: 2026-01-02. Review status: criteria provided, single submitter. Criteria: Invitae Variant Classification Sherloc (09022015). Collection method: clinical testing. Allele origin: germline.

Ambry Genetics
Classification: Uncertain significance for Inborn genetic diseases. Last evaluated: 2025-04-07. Review status: criteria provided, single submitter. Criteria: Ambry Variant Classification Scheme 2023. Collection method: clinical testing. Allele origin: germline.

Blueprint Genetics
Classification: Likely benign. Last evaluated: 2024-11-13. Review status: criteria provided, single submitter. Criteria: ACMG Guidelines, 2015. Collection method: clinical testing. Allele origin: germline.

CeGaT Center for Human Genetics Tuebingen
Classification: Likely benign. Last evaluated: 2023-01-01. Review status: criteria provided, single submitter. Criteria: CeGaT Center For Human Genetics Tuebingen Variant Classification Criteria Version 2. Collection method: clinical testing. Allele origin: germline. Affected: yes. Observed: 1 variant allele.
Comment: REST: BP4, BS1

Breakthrough Genomics
Classification: Likely benign. Review status: criteria provided, single submitter. Criteria: ACMG Guidelines, 2015. Collection method: not provided. Allele origin: germline. Inheritance: Autosomal dominant inheritance. Affected: yes.

PreventionGenetics, part of Exact Sciences
Classification: Likely benign for REST-related condition. Last evaluated: 2020-11-11. Review status: no assertion criteria provided. Collection method: clinical testing. Allele origin: germline. Not counted in ClinVar's aggregate classification.
Comment: This variant is classified as likely benign based on ACMG/AMP sequence variant interpretation guidelines (Richards et al. 2015 PMID: 25741868, with internal and published modifications).

NM_005612.5(REST):c.2248T>A (p.Ser750Thr)

Gene: REST (RE1 silencing transcription factor; plus strand). Cytogenetic location: 4q12.
Variant type: single nucleotide variant.
Coding change: c.2248T>A on transcript NM_005612.5 (MANE Select); coding-DNA position 2248, T replaced by A.
Protein change: p.Ser750Thr; replaces serine 750 with threonine.
Molecular consequence: missense variant.
Genome position (GRCh38, 1-based): chr4:56,931,106, T>A. VCF-style: chr4-56931106-T-A. GRCh37 (hg19) VCF-style: chr4-57797272-T-A.
Other names: c.2248T>A, p.Ser750Thr (NM_001193508.2, NM_001363453.3); short protein forms S750T.
Identifiers: ClinVar variation 745625 (VCV000745625.38), dbSNP rs139336427, ClinGen allele CA2932439.
Genomic context (GRCh38, chr4:56,931,106, plus strand): 5'-CAGATGGAGCTGTCTCCTCCCATGGAGGTGGTCCAGAAGGAGCCTGTTCAGATAGAGCTG[T>A]CTCCTCCCATGGAGGTGGTCCAGAAGGAACCTGTTAAGATAGAGCTGTCTCCTCCCATAG-3'
Protein context (NP_005603.3, residues 740-760): VQKEPVQIEL[Ser750Thr]PPMEVVQKEP